The following is an entry in ClinVar:

NM_000147.5(FUCA1):c.167_170dup (p.Lys57fs)

Gene: FUCA1 (alpha-L-fucosidase 1; minus strand). Cytogenetic location: 1p36.11.
Variant type: Duplication.
Coding change: c.167_170dup on transcript NM_000147.5 (MANE Select); coding-DNA positions 167 to 170, 4 bases duplicated (CCAA; older notation c.167_170dupCCAA).
Protein change: p.Lys57fs; shifts the reading frame from lysine 57.
Molecular consequence: frameshift variant. On other transcripts: non-coding transcript variant (4).
Genome position (GRCh38, 1-based): chr1:23,868,117-23,868,120, TTGG duplicated on the plus strand (CCAA on the coding strand, the reverse complement: FUCA1 is on the minus strand). VCF-style (leftmost placement, unchanged base first): chr1-23868116-C-CTTGG. GRCh37 (hg19) VCF-style: chr1-24194606-C-CTTGG.
Other names: short protein forms K57fs.
Identifiers: ClinVar variation 3006620 (VCV003006620.3), dbSNP rs1263748674, ClinGen allele CA733371343.
Genomic context (GRCh38, chr1:23,868,116, plus strand): 5'-GAACCACTCGCTGCCCCAGGCGGGCACCGAGAACACGCCCCAGTGGATGAACACCCCGAA[C>CTTGG]TTGGCTTCGTCGAACCAGGCCGGCAGCGGCCGAGAATCCAGGCTCGGCCAGTCTGGGGTG-3'

ClinVar aggregate classification (germline): Pathogenic (1 of 4 stars; one submission).

Conditions:
Fucosidosis. Also called: ALPHA-L-FUCOSIDASE DEFICIENCY. Identifiers: Orphanet 349, MedGen C0016788, MONDO:0009254, OMIM 230000.

Allele frequency attached by ClinVar (database versions not stated): TOPMed 0.00002.

Submission:

Labcorp Genetics (formerly Invitae), Labcorp
Classification: Pathogenic for Fucosidosis. Last evaluated: 2025-11-24. Review status: criteria provided, single submitter. Criteria: Invitae Variant Classification Sherloc (09022015). Collection method: clinical testing. Allele origin: germline.
Comment: This sequence change creates a premature translational stop signal (p.Lys57Asnfs*112) in the FUCA1 gene. It is expected to result in an absent or disrupted protein product. Loss-of-function variants in FUCA1 are known to be pathogenic (PMID: 10094192). This variant is not present in population databases (gnomAD no frequency). This variant has not been reported in the literature in individuals affected with FUCA1-related conditions. ClinVar contains an entry for this variant (Variation ID: 3006620). For these reasons, this variant has been classified as Pathogenic.

Literature cited by the submitters: PubMed 10094192.